The following is an entry in ClinVar:

ClinVar aggregate classification (germline): Pathogenic. Review status: criteria provided, multiple submitters, no conflicts (2 of 4 stars). 7 submissions from 6 submitters: Pathogenic (3). 4 of the submissions do not count toward it. Last evaluated 2022-05-20.

Conditions:
PLEC-related disorder. Also called: PLEC-related condition; PLEC-related disorders.
Epidermolysis bullosa simplex with nail dystrophy (EBS5D). Identifiers: MedGen C4225309, MONDO:0014661, OMIM 616487.
Epidermolysis bullosa simplex 5B, with muscular dystrophy (EBS5B). Also called: EPIDERMOLYSIS BULLOSA SIMPLEX AND LIMB-GIRDLE MUSCULAR DYSTROPHY; Epidermolysis bullosa simplex with muscular dystrophy. Identifiers: Orphanet 257, MedGen C2931072, MONDO:0009181, OMIM 226670.
Autosomal recessive limb-girdle muscular dystrophy type 2Q (LGMDR17). Also called: MUSCULAR DYSTROPHY, LIMB-GIRDLE, AUTOSOMAL RECESSIVE 17. Identifiers: Orphanet 254361, MedGen C3150989, MONDO:0013390, OMIM 613723.
Epidermolysis bullosa simplex 5C, with pyloric atresia (EBS5C). Also called: PLEC-Related Epidermolysis Bullosa with Pyloric Atresia; Epidermolysis bullosa simplex with pyloric atresia; PLEC1-Related Epidermolysis Bullosa with Pyloric Atresia. Identifiers: Orphanet 158684, MedGen C2677349, MONDO:0012807, OMIM 612138.
Epidermolysis bullosa simplex, Ogna type (EBS5A). Also called: EPIDERMOLYSIS BULLOSA SIMPLEX 5A, OGNA TYPE; Pidermolysis bullosa simplex 5A, Ogna type. Identifiers: Orphanet 79401, MedGen C0432317, MONDO:0007555, OMIM 131950.

Allele frequency attached by ClinVar (database versions not stated): TOPMed below 0.00001; gnomAD exomes 0.00001 and 0.00002; ExAC 0.00002.
gnomAD v4.1: 19 of 1,610,502 alleles (0.0012%); highest among the groups gnomAD compares: African/African-American, 0.0027%; no homozygotes.

Submissions (7):

Labcorp Genetics (formerly Invitae), Labcorp
Classification: Pathogenic for Autosomal recessive limb-girdle muscular dystrophy type 2Q; Epidermolysis bullosa simplex, Ogna type; Epidermolysis bullosa simplex with nail dystrophy; Epidermolysis bullosa simplex 5C, with pyloric atresia; Epidermolysis bullosa simplex 5B, with muscular dystrophy. Last evaluated: 2022-05-20. Review status: criteria provided, single submitter. Criteria: Invitae Variant Classification Sherloc (09022015). Collection method: clinical testing. Allele origin: germline.
Comment: For these reasons, this variant has been classified as Pathogenic. ClinVar contains an entry for this variant (Variation ID: 30174). This premature translational stop signal has been observed in individuals with autosomal recessive epidermolysis bullosa simplex with muscular dystrophy (PMID: 15659326, 28830826). This variant is present in population databases (rs387906802, gnomAD 0.007%). This sequence change creates a premature translational stop signal (p.Arg2319*) in the PLEC gene. It is expected to result in an absent or disrupted protein product. Loss-of-function variants in PLEC are known to be pathogenic (PMID: 20301336, 20447487, 21109228, 23289980, 28824526).

GeneDx
Classification: Pathogenic. Last evaluated: 2019-02-04. Review status: criteria provided, single submitter. Criteria: GeneDx Variant Classification (06012015). Collection method: clinical testing. Allele origin: germline. Affected: yes.
Comment: The R2319X variant in the PLEC gene has been reported previously in the homozygous or compound heterozygous state in multiple individuals with epidermolysis bullosa (EB) with muscular dystrophy (EBS-MD) and also in one patient with EBS-MD and myasthenic syndrome (Takahashi et al., 2005; Yin et al., 2015; Vahidnezhad et al., 2017; Selcen et al., 2011). This variant is predicted to cause loss of normal protein function either through protein truncation or nonsense-mediated mRNA decay. The R2319X variant is not observed at a significant frequency in large population cohorts (Lek et al., 2016). We interpret R2319X as a pathogenic variant.

Blueprint Genetics
Classification: Pathogenic for PLEC-related disorders. Last evaluated: 2018-10-09. Review status: criteria provided, single submitter. Criteria: ACMG Guidelines, 2015. Collection method: clinical testing. Allele origin: germline. Affected: yes. Observed: 1 variant allele.

OMIM
Classification: Pathogenic for EPIDERMOLYSIS BULLOSA SIMPLEX 5B, WITH MUSCULAR DYSTROPHY. Last evaluated: 2011-01-25. Review status: no assertion criteria provided. Collection method: literature only. Allele origin: germline. Not counted in ClinVar's aggregate classification.

OMIM
Classification: Pathogenic for EPIDERMOLYSIS BULLOSA SIMPLEX 5D, GENERALIZED INTERMEDIATE, AUTOSOMAL RECESSIVE. Last evaluated: 2011-01-25. Review status: no assertion criteria provided. Collection method: literature only. Allele origin: germline. Not counted in ClinVar's aggregate classification.

Diagnostic Laboratory, Department of Genetics, University Medical Center Groningen
Classification: Pathogenic. Review status: no assertion criteria provided. Collection method: clinical testing. Allele origin: germline. Affected: yes. Study: VKGL Data-share Consensus. Not counted in ClinVar's aggregate classification.

Joint Genome Diagnostic Labs from Nijmegen and Maastricht, Radboudumc and MUMC+
Classification: Pathogenic. Review status: no assertion criteria provided. Collection method: clinical testing. Allele origin: germline. Affected: yes. Study: VKGL Data-share Consensus. Not counted in ClinVar's aggregate classification.

Literature cited by the submitters: PubMed 15659326 (cited by Labcorp Genetics (formerly Invitae), Labcorp); PubMed 28830826 (cited by Labcorp Genetics (formerly Invitae), Labcorp); PubMed 20301336 (cited by Labcorp Genetics (formerly Invitae), Labcorp); PubMed 20447487 (cited by Labcorp Genetics (formerly Invitae), Labcorp); PubMed 21109228 (cited by Labcorp Genetics (formerly Invitae), Labcorp); PubMed 23289980 (cited by Labcorp Genetics (formerly Invitae), Labcorp); PubMed 28824526 (cited by Labcorp Genetics (formerly Invitae), Labcorp); PubMed 21263134 (cited by OMIM); PubMed 32725257 (cited by OMIM).

NM_201384.3(PLEC):c.6874C>T (p.Arg2292Ter)

Gene: PLEC (plectin; minus strand). Cytogenetic location: 8q24.3.
Variant type: single nucleotide variant.
Coding change: c.6874C>T on transcript NM_201384.3 (MANE Select); coding-DNA position 6874, C replaced by T.
Protein change: p.Arg2292Ter; replaces arginine 2292 with a stop codon.
Molecular consequence: nonsense.
Genome position (GRCh38, 1-based): chr8:143,923,055, G>A on the plus strand (C>T on the coding strand, the complement: PLEC is on the minus strand). VCF-style: chr8-143923055-G-A. GRCh37 (hg19) VCF-style: chr8-144997223-G-A.
Other names: c.6955C>T, p.Arg2319Ter (NM_000445.5); c.6832C>T, p.Arg2278Ter (NM_201378.4); c.6808C>T, p.Arg2270Ter (NM_201379.3); c.7285C>T, p.Arg2429Ter (NM_201380.4); c.6778C>T, p.Arg2260Ter (NM_201381.3); c.6874C>T, p.Arg2292Ter (NM_201382.4); c.6886C>T, p.Arg2296Ter (NM_201383.3); short protein forms R2319*, R2260*, R2270*, R2278*, R2292*, R2296*, R2429*.
Identifiers: ClinVar variation 30174 (VCV000030174.15), dbSNP rs387906802, ClinGen allele CA249711.